The following is an entry in ClinVar:

NM_000038.6(APC):c.7931T>C (p.Ile2644Thr)

Gene: APC (APC regulator of Wnt signaling pathway; plus strand). Cytogenetic location: 5q22.2.
Variant type: single nucleotide variant.
Coding change: c.7931T>C on transcript NM_000038.6 (MANE Select); coding-DNA position 7931, T replaced by C.
Protein change: p.Ile2644Thr; replaces isoleucine 2644 with threonine.
Molecular consequence: missense variant.
Genome position (GRCh38, 1-based): chr5:112,843,525, T>C. VCF-style: chr5-112843525-T-C. GRCh37 (hg19) VCF-style: chr5-112179222-T-C.
Other names: c.7931T>C, p.Ile2644Thr (NM_001127510.3, NM_001354895.2); c.7877T>C, p.Ile2626Thr (NM_001127511.3); c.7985T>C, p.Ile2662Thr (NM_001354896.2); c.7961T>C, p.Ile2654Thr (NM_001354897.2); c.7856T>C, p.Ile2619Thr (NM_001354898.2); c.7847T>C, p.Ile2616Thr (NM_001354899.2); c.7808T>C, p.Ile2603Thr (NM_001354900.2); c.7754T>C, p.Ile2585Thr (NM_001354901.2); and 5 more; short protein forms I2626T, I2644T, I2361T, I2484T, I2543T, I2619T, I2654T, I2603T.
Identifiers: ClinVar variation 422652 (VCV000422652.7), dbSNP rs1064795916, ClinGen allele CA16038552.

ClinVar aggregate classification (germline): Uncertain significance. Review status: criteria provided, multiple submitters, no conflicts (2 of 4 stars). 3 submissions from 3 submitters: Uncertain significance (3). Last evaluated 2025-03-31.

Conditions:
Familial adenomatous polyposis 1 (FAP1). Also called: FAMILIAL ADENOMATOUS POLYPOSIS 1, ATTENUATED; POLYPOSIS, ADENOMATOUS INTESTINAL. Identifiers: MedGen C2713442, MONDO:0021056, OMIM 175100. Disease mechanism: loss of function.
Hereditary cancer-predisposing syndrome. Also called: Hereditary neoplastic syndrome; Neoplastic Syndromes, Hereditary; Tumor predisposition; Hereditary Cancer Syndrome. Identifiers: Orphanet 140162, MedGen C0027672, MeSH D009386, MONDO:0015356.

Submissions (3):

Labcorp Genetics (formerly Invitae), Labcorp
Classification: Uncertain significance for Familial adenomatous polyposis 1. Last evaluated: 2025-03-31. Review status: criteria provided, single submitter. Criteria: Invitae Variant Classification Sherloc (09022015). Collection method: clinical testing. Allele origin: germline.
Comment: This sequence change replaces isoleucine, which is neutral and non-polar, with threonine, which is neutral and polar, at codon 2644 of the APC protein (p.Ile2644Thr). This variant is not present in population databases (gnomAD no frequency). This variant has not been reported in the literature in individuals affected with APC-related conditions. ClinVar contains an entry for this variant (Variation ID: 422652). Invitae Evidence Modeling of protein sequence and biophysical properties (such as structural, functional, and spatial information, amino acid conservation, physicochemical variation, residue mobility, and thermodynamic stability) indicates that this missense variant is not expected to disrupt APC protein function with a negative predictive value of 95%. In summary, the available evidence is currently insufficient to determine the role of this variant in disease. Therefore, it has been classified as a Variant of Uncertain Significance.

Color Diagnostics, LLC DBA Color Health
Classification: Uncertain significance for Hereditary cancer-predisposing syndrome. Last evaluated: 2024-03-06. Review status: criteria provided, single submitter. Criteria: ACMG Guidelines, 2015. Collection method: clinical testing. Allele origin: germline.
Comment: This missense variant replaces isoleucine with threonine at codon 2644 of the APC protein. Computational prediction tool suggests that this variant may not impact protein structure and function (internally defined REVEL score threshold <= 0.5, PMID: 27666373). Splice site prediction tools suggest that this variant may not impact RNA splicing. To our knowledge, functional studies have not been performed for this variant. This variant has not been reported in individuals affected with hereditary cancer in the literature. This variant has not been identified in the general population by the Genome Aggregation Database (gnomAD). The available evidence is insufficient to determine the role of this variant in disease conclusively. Therefore, this variant is classified as a Variant of Uncertain Significance.

GeneDx
Classification: Uncertain significance. Last evaluated: 2016-10-31. Review status: criteria provided, single submitter. Criteria: GeneDx Variant Classification (06012015). Collection method: clinical testing. Allele origin: germline. Affected: yes.
Comment: This variant is denoted APC c.7931T>C at the cDNA level, p.Ile2644Thr (I2644T) at the protein level, and results in the change of an Isoleucine to a Threonine (ATT>ACT). This variant has not, to our knowledge, been published in the literature as pathogenic or benign. APC Ile2644Thr was not observed in approximately 6,500 individuals of European and African American ancestry in the NHLBI Exome Sequencing Project, suggesting it is not a common benign variant in these populations. Since Isoleucine and Threonine differ in polarity, charge, size or other properties, this is considered a non-conservative amino acid substitution. APC Ile2644Thr occurs at a position that is conserved in mammals and is located in the within EB1 binding domain (Azzopardi 2008). In silico analyses are inconsistent regarding the effect this variant may have on protein structure and function. Based on currently available evidence, it is unclear whether APC Ile2644Thr is a pathogenic or benign variant. We consider it to be a variant of uncertain significance.